The following is an entry in ClinVar:

NM_006230.4(POLD2):c.118C>T (p.Arg40Trp)

Gene: POLD2 (DNA polymerase delta 2, accessory subunit; minus strand). Cytogenetic location: 7p13.
Variant type: single nucleotide variant.
Coding change: c.118C>T on transcript NM_006230.4 (MANE Select); coding-DNA position 118, C replaced by T.
Protein change: p.Arg40Trp; replaces arginine 40 with tryptophan.
Molecular consequence: missense variant.
Genome position (GRCh38, 1-based): chr7:44,121,936, G>A on the plus strand (C>T on the coding strand, the complement: POLD2 is on the minus strand). VCF-style: chr7-44121936-G-A. GRCh37 (hg19) VCF-style: chr7-44161535-G-A.
Other names: c.118C>T, p.Arg40Trp (NM_001127218.3, NM_001256879.2); short protein forms R40W.
Identifiers: ClinVar variation 2877908 (VCV002877908.3), dbSNP rs2096248780, ClinGen allele CA367387663.
Genomic context (GRCh38, chr7:44,121,936, plus strand): 5'-GGATGAGGCGGGTGGCATAAATGTGGGCATACTGCCGGCTAAAGCTGCGCTCTCCTAGCC[G>A]GAAGGGTTGTGAGGAGTTGGTGTAGGTTGCCACTGGCACCCGGGCAAAGGTGGCATTGTT-3'
Protein context (NP_006221.3, residues 30-50): ATYTNSSQPF[Arg40Trp]LGERSFSRQY

ClinVar aggregate classification (germline): Uncertain significance (1 of 4 stars; one submission).

Allele frequency attached by ClinVar (database versions not stated): gnomAD exomes below 0.00001; TOPMed below 0.00001.
gnomAD v4.1: 3 of 1,613,882 alleles (0.00019%); highest among the groups gnomAD compares: East Asian, 0.0022%; no homozygotes.

Submission:

Labcorp Genetics (formerly Invitae), Labcorp
Classification: Uncertain significance. Last evaluated: 2025-01-23. Review status: criteria provided, single submitter. Criteria: Invitae Variant Classification Sherloc (09022015). Collection method: clinical testing. Allele origin: germline.
Comment: This sequence change replaces arginine, which is basic and polar, with tryptophan, which is neutral and slightly polar, at codon 75 of the POLD2 protein (p.Arg75Trp). This variant is not present in population databases (gnomAD no frequency). This variant has not been reported in the literature in individuals affected with POLD2-related conditions. ClinVar contains an entry for this variant (Variation ID: 2877908). Experimental studies and prediction algorithms are not available or were not evaluated, and the functional significance of this variant is currently unknown. In summary, the available evidence is currently insufficient to determine the role of this variant in disease. Therefore, it has been classified as a Variant of Uncertain Significance.